The following is an entry in ClinVar:

NM_005422.4(TECTA):c.5012C>T (p.Ser1671Leu)

Genes: TECTA (tectorin alpha; plus strand), TBCEL-TECTA (TBCEL-TECTA readthrough; plus strand). Cytogenetic location: 11q23.3.
Variant type: single nucleotide variant.
Coding change: c.5012C>T on transcript NM_005422.4 (MANE Select); coding-DNA position 5012, C replaced by T.
Protein change: p.Ser1671Leu; replaces serine 1671 with leucine.
Molecular consequence: missense variant.
Genome position (GRCh38, 1-based): chr11:121,162,110, C>T. VCF-style: chr11-121162110-C-T. GRCh37 (hg19) VCF-style: chr11-121032819-C-T.
Other names: c.5954C>T, p.Ser1985Leu (NM_001378761.1); short protein forms S1671L, S1985L.
Identifiers: ClinVar variation 45335 (VCV000045335.67), dbSNP rs142948530, ClinGen allele CA136059.

ClinVar aggregate classification (germline): Conflicting classifications of pathogenicity. Review status: criteria provided, conflicting classifications (1 of 4 stars). 9 submissions from 8 submitters: Uncertain significance (1); Benign (6); Likely benign (1). 1 of the submissions does not count toward it. Last evaluated 2026-06-01.

Conditions:
TECTA-related disorder. Also called: TECTA-related condition.
Autosomal recessive nonsyndromic hearing loss 21. Identifiers: Orphanet 90636, MedGen C1863655, MONDO:0011351, OMIM 603629.
Autosomal dominant nonsyndromic hearing loss 12. Also called: DEAFNESS, AUTOSOMAL DOMINANT 8. Identifiers: Orphanet 90635, MedGen C1832187, MONDO:0011102, OMIM 601543.

Allele frequency attached by ClinVar (database versions not stated): 1000 Genomes Project 30x 0.00031; 1000 Genomes Project 0.00040; ExAC 0.00505; TOPMed 0.00522; gnomAD exomes 0.00546 and 0.00735; ESP Exome Variant Server 0.00577; gnomAD 0.00645 and 0.00672.
gnomAD v4.1: 11,640 of 1,614,188 alleles (0.72%); highest among the groups gnomAD compares: Non-Finnish European, 0.84%; 58 homozygotes.

Submissions (9):

CeGaT Center for Human Genetics Tuebingen
Classification: Likely benign. Last evaluated: 2026-06-01. Review status: criteria provided, single submitter. Criteria: CeGaT Center For Human Genetics Tuebingen Variant Classification Criteria Version 2. Collection method: clinical testing. Allele origin: germline. Affected: yes. Observed: 17 variant alleles.
Comment: TECTA: BS2

Labcorp Genetics (formerly Invitae), Labcorp
Classification: Benign. Last evaluated: 2026-01-15. Review status: criteria provided, single submitter. Criteria: Invitae Variant Classification Sherloc (09022015). Collection method: clinical testing. Allele origin: germline.

Athena Diagnostics
Classification: Benign. Last evaluated: 2019-07-08. Review status: criteria provided, single submitter. Criteria: Athena Diagnostics Criteria. Collection method: clinical testing. Allele origin: germline.

GeneDx
Classification: Benign. Last evaluated: 2018-01-23. Review status: criteria provided, single submitter. Criteria: GeneDx Variant Classification (06012015). Collection method: clinical testing. Allele origin: germline. Affected: yes.
Comment: This variant is considered likely benign or benign based on one or more of the following criteria: it is a conservative change, it occurs at a poorly conserved position in the protein, it is predicted to be benign by multiple in silico algorithms, and/or has population frequency not consistent with disease.

Illumina Laboratory Services, Illumina
Classification: Benign for Autosomal dominant nonsyndromic hearing loss 12. Last evaluated: 2018-01-13. Review status: criteria provided, single submitter. Criteria: ICSL Variant Classification Criteria 13 December 2019. Collection method: clinical testing. Allele origin: germline.
Comment: This variant was observed in the ICSL laboratory as part of a predisposition screen in an ostensibly healthy population. It had not been previously curated by ICSL or reported in the Human Gene Mutation Database (HGMD: prior to June 1st, 2018), and was therefore a candidate for classification through an automated scoring system. Utilizing variant allele frequency, disease prevalence and penetrance estimates, and inheritance mode, an automated score was calculated to assess if this variant is too frequent to cause the disease. Based on the score and internal cut-off values, a variant classified as benign is not then subjected to further curation. The score for this variant resulted in a classification of benign for this disease.

Illumina Laboratory Services, Illumina
Classification: Uncertain significance for Autosomal recessive nonsyndromic hearing loss 21. Last evaluated: 2018-01-13. Review status: criteria provided, single submitter. Criteria: ICSL Variant Classification Criteria 13 December 2019. Collection method: clinical testing. Allele origin: germline.

Eurofins Ntd Llc (ga)
Classification: Benign. Last evaluated: 2014-12-09. Review status: criteria provided, single submitter. Criteria: EGL Classification Definitions 2015. Collection method: clinical testing. Allele origin: germline. Observed: 2 variant alleles, 2 heterozygotes.

Laboratory for Molecular Medicine, Mass General Brigham Personalized Medicine
Classification: Benign. Last evaluated: 2012-05-07. Review status: criteria provided, single submitter. Criteria: LMM Criteria. Collection method: clinical testing. Allele origin: germline. Observed: 28 variant alleles.
Comment: Ser1671Leu in Exon 15 of TECTA: This variant is not expected to have clinical si gnificance because it has been identified in 0.7% (52/7020) of European American chromosomes from a broad population by the NHLBI Exome Sequencing Project (dbSNP rs142948530).

PreventionGenetics, part of Exact Sciences
Classification: Benign for TECTA-related condition. Last evaluated: 2019-07-23. Review status: no assertion criteria provided. Collection method: clinical testing. Allele origin: germline. Not counted in ClinVar's aggregate classification.
Comment: This variant is classified as benign based on ACMG/AMP sequence variant interpretation guidelines (Richards et al. 2015 PMID: 25741868, with internal and published modifications).